The following is an entry in ClinVar:

ClinVar aggregate classification (germline): Uncertain significance (1 of 4 stars; one submission).

gnomAD v4.1: 3 of 1,612,938 alleles (0.00019%); highest among the groups gnomAD compares: Admixed American, 0.0033%; no homozygotes.

Submission:

Labcorp Genetics (formerly Invitae), Labcorp
Classification: Uncertain significance. Last evaluated: 2025-10-18. Review status: criteria provided, single submitter. Criteria: Invitae Variant Classification Sherloc (09022015). Collection method: clinical testing. Allele origin: germline.
Comment: This sequence change replaces alanine, which is neutral and non-polar, with valine, which is neutral and non-polar, at codon 365 of the PCK2 protein (p.Ala365Val). This variant is present in population databases (no rsID available, gnomAD 0.006%). This variant has not been reported in the literature in individuals affected with PCK2-related conditions. Invitae Evidence Modeling of protein sequence and biophysical properties (such as structural, functional, and spatial information, amino acid conservation, physicochemical variation, residue mobility, and thermodynamic stability) indicates that this missense variant is expected to disrupt PCK2 protein function with a positive predictive value of 80%. In summary, the available evidence is currently insufficient to determine the role of this variant in disease. Therefore, it has been classified as a Variant of Uncertain Significance.

NM_004563.4(PCK2):c.1094C>T (p.Ala365Val)

Genes: NRL (neural retina leucine zipper; minus strand), PCK2 (phosphoenolpyruvate carboxykinase 2, mitochondrial; plus strand). Cytogenetic location: 14q12.
Variant type: single nucleotide variant.
Coding change: c.1094C>T on transcript NM_004563.4 (MANE Select); coding-DNA position 1094, C replaced by T.
Protein change: p.Ala365Val; replaces alanine 365 with valine.
Molecular consequence: missense variant. On other transcripts: intron variant (3).
Genome position (GRCh38, 1-based): chr14:24,100,073, C>T. VCF-style: chr14-24100073-C-T. GRCh37 (hg19) VCF-style: chr14-24569282-C-T.
Other names: c.1094C>T, p.Ala365Val (NM_001018073.3); c.692C>T, p.Ala231Val (NM_001291556.2, NM_001308054.2); c.-28+14649G>A (NM_001354768.3, NM_001354770.2); c.-254+14649G>A (NM_006177.5); short protein forms A231V, A365V.
Identifiers: ClinVar variation 4760451 (VCV004760451.1).